The following is an entry in ClinVar:

ClinVar aggregate classification (germline): Uncertain significance (1 of 4 stars; one submission).

Conditions:
Developmental and epileptic encephalopathy, 31A. Also called: Epileptic encephalopathy, early infantile, 31; Developmental and epileptic encephalopathy, 31. Identifiers: Orphanet 2382, MedGen C4225357, MONDO:0014598, OMIM 616346.

Allele frequency attached by ClinVar (database versions not stated): ESP Exome Variant Server 0.00008; TOPMed below 0.00001.
gnomAD v4.1: 1 of 1,599,914 alleles (0.000063%); no homozygotes.

Submission:

Labcorp Genetics (formerly Invitae), Labcorp
Classification: Uncertain significance for Developmental and epileptic encephalopathy, 31A. Last evaluated: 2021-09-02. Review status: criteria provided, single submitter. Criteria: Invitae Variant Classification Sherloc (09022015). Collection method: clinical testing. Allele origin: germline.
Comment: This sequence change replaces histidine with arginine at codon 128 of the DNM1 protein (p.His128Arg). The histidine residue is highly conserved and there is a small physicochemical difference between histidine and arginine. This variant is not present in population databases (ExAC no frequency). This variant has not been reported in the literature in individuals affected with DNM1-related conditions. Algorithms developed to predict the effect of missense changes on protein structure and function are either unavailable or do not agree on the potential impact of this missense change (SIFT: "Deleterious"; PolyPhen-2: "Benign"; Align-GVGD: "Class C0"). In summary, the available evidence is currently insufficient to determine the role of this variant in disease. Therefore, it has been classified as a Variant of Uncertain Significance.

NM_004408.4(DNM1):c.383A>G (p.His128Arg)

Genes: DNM1 (dynamin 1; plus strand), LOC113839516 (Sharpr-MPRA regulatory region 8497; plus strand). Cytogenetic location: 9q34.11.
Variant type: single nucleotide variant.
Coding change: c.383A>G on transcript NM_004408.4 (MANE Select); coding-DNA position 383, A replaced by G.
Protein change: p.His128Arg; replaces histidine 128 with arginine.
Molecular consequence: missense variant.
Genome position (GRCh38, 1-based): chr9:128,218,729, A>G. VCF-style: chr9-128218729-A-G. GRCh37 (hg19) VCF-style: chr9-130981008-A-G.
Other names: c.383A>G, p.His128Arg (NM_001005336.3, NM_001288737.2, NM_001288738.2 and 1 more transcripts); short protein forms H128R.
Identifiers: ClinVar variation 570619 (VCV000570619.6), dbSNP rs368475266, ClinGen allele CA200347061.
Genomic context (GRCh38, chr9:128,218,729, plus strand): 5'-TCACCGGCACCAACAAGGGCATCTCGCCGGTGCCTATCAACCTCCGCGTCTACTCGCCGC[A>G]CGGTGAGGACCCTGGCCCCGCCCTAACCTCTAAGAATCATTTTCTTGGCCACGCACCTCT-3'
Protein context (NP_004399.2, residues 118-138): VPINLRVYSP[His128Arg]VLNLTLVDLP